The following is an entry in ClinVar:

ClinVar aggregate classification (germline): Uncertain significance. Review status: criteria provided, multiple submitters, no conflicts (2 of 4 stars). 2 submissions from 2 submitters: Uncertain significance (2). Last evaluated 2021-07-07.

Conditions:
Myopathy, myofibrillar, 9, with early respiratory failure (MFM9). Also called: EDSTROM MYOPATHY; MYOPATHY, PROXIMAL, WITH EARLY RESPIRATORY MUSCLE INVOLVEMENT; Myopathy, distal, with early respiratory failure, autosomal dominant; Hereditary myopathy with early respiratory failure. Identifiers: Orphanet 178464, Orphanet 34521, MedGen C1863599, MONDO:0011362, OMIM 603689.
Early-onset myopathy with fatal cardiomyopathy (CMYO5). Also called: CONGENITAL MYOPATHY 5 WITH CARDIOMYOPATHY; Salih Myopathy. Identifiers: Orphanet 289377, MedGen C2673677, MONDO:0012714, OMIM 611705. Disease mechanism: loss of function.
Hypertrophic cardiomyopathy 9. Also called: Familial hypertrophic cardiomyopathy 9. Identifiers: MedGen C1861065, MONDO:0013412, OMIM 613765.
Dilated cardiomyopathy 1G (CMD1G). Identifiers: Orphanet 154, MedGen C1858763, MONDO:0011400, OMIM 604145.
Tibial muscular dystrophy (TMD). Also called: UDD MYOPATHY; Tibial muscular dystrophy, tardive; Udd Distal Myopathy – Tibial Muscular Dystrophy. Identifiers: Orphanet 609, MedGen C1838244, MONDO:0010870, OMIM 600334.
Autosomal recessive limb-girdle muscular dystrophy type 2J (LGMDR10). Also called: MUSCULAR DYSTROPHY, LIMB-GIRDLE, AUTOSOMAL RECESSIVE 10; Limb-girdle muscular dystrophy, type 2J. Identifiers: Orphanet 140922, MedGen C1837342, MONDO:0012127, OMIM 608807.

Allele frequency attached by ClinVar (database versions not stated): ExAC 0.00001; gnomAD 0.00001; gnomAD exomes 0.00001; TOPMed 0.00004; ESP Exome Variant Server 0.00008; 1000 Genomes Project 0.00020; 1000 Genomes Project 30x 0.00031.
gnomAD v4.1: 12 of 1,610,260 alleles (0.00075%); highest among the groups gnomAD compares: Admixed American, 0.005%; no homozygotes.

Submissions (2):

Fulgent Genetics
Classification: Uncertain significance for Tibial muscular dystrophy; Myopathy, myofibrillar, 9, with early respiratory failure; Dilated cardiomyopathy 1G; Autosomal recessive limb-girdle muscular dystrophy type 2J; Early-onset myopathy with fatal cardiomyopathy; Hypertrophic cardiomyopathy 9. Last evaluated: 2021-07-07. Review status: criteria provided, single submitter. Criteria: ACMG Guidelines, 2015. Collection method: clinical testing. Allele origin: unknown.

GeneDx
Classification: Uncertain significance. Last evaluated: 2014-04-21. Review status: criteria provided, single submitter. Criteria: GeneDx Variant Classification (06012015). Collection method: clinical testing. Allele origin: germline. Affected: yes.
Comment: Missense variants in the TTN gene are considered 'unclassified' if they are not previously reported in the literature and do not have >1% frequency in the population to be considered a polymorphism. Research indicates that truncating mutations in the TTN gene are expected to account for approximately 25% of familial and 18% of sporadic idiopathic DCM; however, truncating variants in the TTN gene have been reported in approximately 3% of reported control alleles. There has been little investigation into non-truncating variants. (Herman D et al. Truncations of titin causing dilated cardiomyopathy. N Eng J Med 366:619-628, 2012) The variant is found in DCM-CRDM panel(s).

NM_001267550.2(TTN):c.54193C>T (p.Arg18065Cys)

Genes: TTN (titin; minus strand), TTN-AS1 (TTN antisense RNA 1; plus strand). Cytogenetic location: 2q31.2.
Variant type: single nucleotide variant.
Coding change: c.54193C>T on transcript NM_001267550.2 (MANE Select); coding-DNA position 54193, C replaced by T.
Protein change: p.Arg18065Cys; replaces arginine 18065 with cysteine.
Molecular consequence: missense variant. On other transcripts: non-coding transcript variant (1).
Genome position (GRCh38, 1-based): chr2:178,604,896, G>A on the plus strand (C>T on the coding strand, the complement: TTN is on the minus strand). VCF-style: chr2-178604896-G-A. GRCh37 (hg19) VCF-style: chr2-179469623-G-A.
Other names: p.R16424C:CGC>TGC; c.49270C>T, p.Arg16424Cys (NM_001256850.1); c.26998C>T, p.Arg9000Cys (NM_003319.4); c.46489C>T, p.Arg15497Cys (NM_133378.4); c.27373C>T, p.Arg9125Cys (NM_133432.3); c.27574C>T, p.Arg9192Cys (NM_133437.4); short protein forms R16424C, R18065C, R9125C, R9192C, R15497C, R9000C.
Identifiers: ClinVar variation 202711 (VCV000202711.3), dbSNP rs369438623, ClinGen allele CA310055.
Genomic context (GRCh38, chr2:178,604,896, plus strand): 5'-TCAAGTAGCAAGATTCAGCTTTAATGTCAGTAACAGCAAGATTTCTTGGTGGGGATGGGC[G>A]GTCTGGAAAGGAATCAACAGAGAATATTGAGAAGGCAATTCTTAAACAGACACTGGATGC-3'
Protein context (NP_001254479.2, residues 18055-18075): FRNVHVEVYD[Arg18065Cys]PSPPRNLAVT